The following is an entry in ClinVar:

ClinVar aggregate classification (germline): Uncertain significance. Review status: criteria provided, multiple submitters, no conflicts (2 of 4 stars). 2 submissions from 2 submitters: Uncertain significance (2). Last evaluated 2025-09-02.

Allele frequency attached by ClinVar (database versions not stated): ExAC 0.00001; gnomAD exomes 0.00001.
gnomAD v4.1: 17 of 1,613,286 alleles (0.0011%); highest among the groups gnomAD compares: Non-Finnish European, 0.0014%; no homozygotes.

Submissions (2):

Labcorp Genetics (formerly Invitae), Labcorp
Classification: Uncertain significance. Last evaluated: 2025-09-02. Review status: criteria provided, single submitter. Criteria: Invitae Variant Classification Sherloc (09022015). Collection method: clinical testing. Allele origin: germline.
Comment: This sequence change replaces arginine, which is basic and polar, with glutamine, which is neutral and polar, at codon 127 of the TMEM132E protein (p.Arg127Gln). The frequency data for this variant in the population databases is considered unreliable, as metrics indicate poor data quality at this position in the gnomAD database. This variant has not been reported in the literature in individuals affected with TMEM132E-related conditions. ClinVar contains an entry for this variant (Variation ID: 500842). Experimental studies and prediction algorithms are not available or were not evaluated, and the functional significance of this variant is currently unknown. In summary, the available evidence is currently insufficient to determine the role of this variant in disease. Therefore, it has been classified as a Variant of Uncertain Significance.

Eurofins Ntd Llc (ga)
Classification: Uncertain significance. Last evaluated: 2017-03-31. Review status: criteria provided, single submitter. Criteria: EGL Classification Definitions 2015. Collection method: clinical testing. Allele origin: germline. Observed: 1 variant allele, 1 heterozygote.

NM_001304438.2(TMEM132E):c.380G>A (p.Arg127Gln)

Gene: TMEM132E (transmembrane protein 132E; plus strand). Cytogenetic location: 17q12.
Variant type: single nucleotide variant.
Coding change: c.380G>A on transcript NM_001304438.2 (MANE Select); coding-DNA position 380, G replaced by A.
Protein change: p.Arg127Gln; replaces arginine 127 with glutamine.
Molecular consequence: missense variant.
Genome position (GRCh38, 1-based): chr17:34,626,439, G>A. VCF-style: chr17-34626439-G-A. GRCh37 (hg19) VCF-style: chr17-32953458-G-A.
Other names: short protein forms R127Q.
Identifiers: ClinVar variation 500842 (VCV000500842.10), dbSNP rs772862890, ClinGen allele CA8496430.